The following is an entry in ClinVar:

NM_030662.4(MAP2K2):c.*14C>T

Gene: MAP2K2 (mitogen-activated protein kinase kinase 2; minus strand). Cytogenetic location: 19p13.3.
Variant type: single nucleotide variant.
Coding change: c.*14C>T on transcript NM_030662.4 (MANE Select); 14 bases downstream of the stop codon, C replaced by T.
Molecular consequence: 3 prime UTR variant.
Genome position (GRCh38, 1-based): chr19:4,090,584, G>A on the plus strand (C>T on the coding strand, the complement: MAP2K2 is on the minus strand). VCF-style: chr19-4090584-G-A. GRCh37 (hg19) VCF-style: chr19-4090582-G-A.
Identifiers: ClinVar variation 382115 (VCV000382115.2), dbSNP rs374728969, ClinGen allele CA9090678.
Genomic context (GRCh38, chr19:4,090,584, plus strand): 5'-CTCAGCTGGAAGGGCGGGGCATGGACAGGGACGGTGGGCAGGTCACCAGCGGGACGCAGG[G>A]AGCCCGGCCACTGTCACACGGCGGTGCGCGTGGGTGTGCCGGGCTGGTTCAGCCGCAGGG-3'

ClinVar aggregate classification (germline): Likely benign. Review status: criteria provided, multiple submitters, no conflicts (2 of 4 stars). 2 submissions from 2 submitters: Likely benign (2). Last evaluated 2022-07-11.

Allele frequency attached by ClinVar (database versions not stated): ExAC 0.00011; TOPMed 0.00015; ESP Exome Variant Server 0.00032.
gnomAD v4.1: 39 of 1,546,168 alleles (0.0025%); highest among the groups gnomAD compares: African/African-American, 0.044%; no homozygotes.

Submissions (2):

Blueprint Genetics
Classification: Likely benign. Last evaluated: 2022-07-11. Review status: criteria provided, single submitter. Criteria: ACMG Guidelines, 2015. Collection method: clinical testing. Allele origin: germline.

GeneDx
Classification: Likely benign. Last evaluated: 2017-04-10. Review status: criteria provided, single submitter. Criteria: GeneDx Variant Classification (06012015). Collection method: clinical testing. Allele origin: germline. Affected: yes.
Comment: This variant is considered likely benign or benign based on one or more of the following criteria: it is a conservative change, it occurs at a poorly conserved position in the protein, it is predicted to be benign by multiple in silico algorithms, and/or has population frequency not consistent with disease.